The following is an entry in ClinVar:

NM_020631.6(PLEKHG5):c.2062C>T (p.Gln688Ter)

Gene: PLEKHG5 (pleckstrin homology and RhoGEF domain containing G5; minus strand). Cytogenetic location: 1p36.31.
Variant type: single nucleotide variant.
Coding change: c.2062C>T on transcript NM_020631.6 (MANE Select); coding-DNA position 2062, C replaced by T.
Protein change: p.Gln688Ter; replaces glutamine 688 with a stop codon.
Molecular consequence: nonsense.
Genome position (GRCh38, 1-based): chr1:6,469,229, G>A on the plus strand (C>T on the coding strand, the complement: PLEKHG5 is on the minus strand). VCF-style: chr1-6469229-G-A. GRCh37 (hg19) VCF-style: chr1-6529289-G-A.
Other names: c.2062C>T, p.Gln688Ter (NM_001042665.2, NM_001265594.3, NM_198681.4 and 1 more transcripts); c.2173C>T, p.Gln725Ter (NM_001265592.2, NM_001042663.3); c.2269C>T, p.Gln757Ter (NM_001265593.2); short protein forms Q688*, Q757*, Q725*.
Identifiers: ClinVar variation 4787320 (VCV004787320.1).

ClinVar aggregate classification (germline): Pathogenic (1 of 4 stars; one submission).

Conditions:
Neuronopathy, distal hereditary motor, autosomal recessive 4. Also called: NEUROPATHY, DISTAL HEREDITARY MOTOR, AUTOSOMAL RECESSIVE 4; Autosomal recessive lower motor neuron disease with childhood onset. Identifiers: Orphanet 206580, MedGen C1970211, MONDO:0012608, OMIM 611067.
Charcot-Marie-Tooth disease recessive intermediate C. Also called: CHARCOT-MARIE-TOOTH NEUROPATHY, RECESSIVE INTERMEDIATE C. Identifiers: Orphanet 369867, MedGen C3809309, MONDO:0014154, OMIM 615376.

Submission:

Labcorp Genetics (formerly Invitae), Labcorp
Classification: Pathogenic for Neuronopathy, distal hereditary motor, autosomal recessive 4; Charcot-Marie-Tooth disease recessive intermediate C. Last evaluated: 2026-01-20. Review status: criteria provided, single submitter. Criteria: Invitae Variant Classification Sherloc (09022015). Collection method: clinical testing. Allele origin: germline.
Comment: This sequence change creates a premature translational stop signal (p.Gln688*) in the PLEKHG5 gene. It is expected to result in an absent or disrupted protein product. Loss-of-function variants in PLEKHG5 are known to be pathogenic (PMID: 17564964, 23777631). This variant is not present in population databases (gnomAD no frequency). This variant has not been reported in the literature in individuals affected with PLEKHG5-related conditions. For these reasons, this variant has been classified as Pathogenic.

Literature cited by the submitters: PubMed 17564964; PubMed 23777631.